The following is an entry in ClinVar:

ClinVar aggregate classification (germline): Uncertain significance (1 of 4 stars; one submission).

Conditions:
Catecholaminergic polymorphic ventricular tachycardia 1. Also called: RYR2-Related Catecholaminergic Polymorphic Ventricular Tachycardia; VENTRICULAR TACHYCARDIA, CATECHOLAMINERGIC POLYMORPHIC, 1, WITH OR WITHOUT ATRIAL DYSFUNCTION AND/OR DILATED CARDIOMYOPATHY; VENTRICULAR TACHYCARDIA, STRESS-INDUCED POLYMORPHIC 1. Identifiers: Orphanet 3286, MedGen C1631597, MONDO:0011484, OMIM 604772.

Submission:

Labcorp Genetics (formerly Invitae), Labcorp
Classification: Uncertain significance for Catecholaminergic polymorphic ventricular tachycardia 1. Last evaluated: 2020-03-12. Review status: criteria provided, single submitter. Criteria: Invitae Variant Classification Sherloc (09022015). Collection method: clinical testing. Allele origin: germline.
Comment: This variant is not present in population databases (ExAC no frequency). This sequence change creates a premature translational stop signal (p.Trp1117*) in the RYR2 gene. It is expected to result in an absent or disrupted protein product. This variant has not been reported in the literature in individuals with RYR2-related conditions. In summary, the available evidence is currently insufficient to determine the role of this variant in disease. Therefore, it has been classified as a Variant of Uncertain Significance. The current clinical and genetic evidence is not sufficient to establish whether loss-of-function variants in RYR2 cause disease.

NM_001035.3(RYR2):c.3351G>A (p.Trp1117Ter)

Gene: RYR2 (ryanodine receptor 2; plus strand). Cytogenetic location: 1q43.
Variant type: single nucleotide variant.
Coding change: c.3351G>A on transcript NM_001035.3 (MANE Select); coding-DNA position 3351, G replaced by A.
Protein change: p.Trp1117Ter; replaces tryptophan 1117 with a stop codon.
Molecular consequence: nonsense.
Genome position (GRCh38, 1-based): chr1:237,566,703, G>A. VCF-style: chr1-237566703-G-A. GRCh37 (hg19) VCF-style: chr1-237730003-G-A.
Other names: short protein forms W1117*.
Identifiers: ClinVar variation 1027214 (VCV001027214.8), dbSNP rs1672122070, ClinGen allele CA345398567.